The following is an entry in ClinVar:

NM_005982.4(SIX1):c.583T>C (p.Ser195Pro)

Gene: SIX1 (SIX homeobox 1; minus strand). Cytogenetic location: 14q23.1.
Variant type: single nucleotide variant.
Coding change: c.583T>C on transcript NM_005982.4 (MANE Select); coding-DNA position 583, T replaced by C.
Protein change: p.Ser195Pro; replaces serine 195 with proline.
Molecular consequence: missense variant. On other transcripts: 3 prime UTR variant (1).
Genome position (GRCh38, 1-based): chr14:60,646,555, A>G on the plus strand (T>C on the coding strand, the complement: SIX1 is on the minus strand). VCF-style: chr14-60646555-A-G. GRCh37 (hg19) VCF-style: chr14-61113273-A-G.
Other names: c.*2T>C (NM_001425142.1); short protein forms S195P.
Identifiers: ClinVar variation 3378019 (VCV003378019.2).

ClinVar aggregate classification (germline): Uncertain significance. Review status: criteria provided, multiple submitters, no conflicts (2 of 4 stars). 2 submissions from 2 submitters: Uncertain significance (2). Last evaluated 2025-08-28.

Conditions:
Branchiootic syndrome 3 (BOS3). Also called: BO SYNDROME 3. Identifiers: MedGen C1842124, MONDO:0012025, OMIM 608389.
Autosomal dominant nonsyndromic hearing loss 23. Identifiers: Orphanet 90635, MedGen C1854594, MONDO:0011519, OMIM 605192.

gnomAD v4.1: 1 of 1,532,964 alleles (0.000065%); highest among the groups gnomAD compares: Non-Finnish European, 0.000088%; no homozygotes.

Submissions (2):

Labcorp Genetics (formerly Invitae), Labcorp
Classification: Uncertain significance for Autosomal dominant nonsyndromic hearing loss 23; Branchiootic syndrome 3. Last evaluated: 2025-08-28. Review status: criteria provided, single submitter. Criteria: Invitae Variant Classification Sherloc (09022015). Collection method: clinical testing. Allele origin: germline.
Comment: This sequence change replaces serine, which is neutral and polar, with proline, which is neutral and non-polar, at codon 195 of the SIX1 protein (p.Ser195Pro). This variant is not present in population databases (gnomAD no frequency). This variant has not been reported in the literature in individuals affected with SIX1-related conditions. ClinVar contains an entry for this variant (Variation ID: 3378019). Invitae Evidence Modeling of protein sequence and biophysical properties (such as structural, functional, and spatial information, amino acid conservation, physicochemical variation, residue mobility, and thermodynamic stability) indicates that this missense variant is not expected to disrupt SIX1 protein function with a negative predictive value of 80%. In summary, the available evidence is currently insufficient to determine the role of this variant in disease. Therefore, it has been classified as a Variant of Uncertain Significance.

GeneDx
Classification: Uncertain significance. Last evaluated: 2024-05-17. Review status: criteria provided, single submitter. Criteria: GeneDx Variant Classification Process June 2021. Collection method: clinical testing. Allele origin: germline. Affected: yes.
Comment: Not observed at significant frequency in large population cohorts (gnomAD); In silico analysis indicates that this missense variant does not alter protein structure/function; Has not been previously published as pathogenic or benign to our knowledge